The following is an entry in ClinVar:

ClinVar aggregate classification (germline): Uncertain significance (1 of 4 stars; one submission).

Conditions:
Tatton-Brown-Rahman overgrowth syndrome. Also called: Tatton-Brown-Rahman syndrome; Tall stature-intellectual disability-facial dysmorphism syndrome. Identifiers: Orphanet 404443, MedGen C4014545, MONDO:0014382, OMIM 615879.

Submission:

Labcorp Genetics (formerly Invitae), Labcorp
Classification: Uncertain significance for Tatton-Brown-Rahman overgrowth syndrome. Last evaluated: 2023-03-18. Review status: criteria provided, single submitter. Criteria: Invitae Variant Classification Sherloc (09022015). Collection method: clinical testing. Allele origin: germline.
Comment: In summary, the available evidence is currently insufficient to determine the role of this variant in disease. Therefore, it has been classified as a Variant of Uncertain Significance. Advanced modeling of protein sequence and biophysical properties (such as structural, functional, and spatial information, amino acid conservation, physicochemical variation, residue mobility, and thermodynamic stability) performed at Invitae indicates that this missense variant is not expected to disrupt DNMT3A protein function. This variant has not been reported in the literature in individuals affected with DNMT3A-related conditions. This variant is not present in population databases (gnomAD no frequency). This sequence change replaces leucine, which is neutral and non-polar, with proline, which is neutral and non-polar, at codon 813 of the DNMT3A protein (p.Leu813Pro).

NM_022552.5(DNMT3A):c.2438T>C (p.Leu813Pro)

Gene: DNMT3A (DNA methyltransferase 3 alpha; minus strand). Cytogenetic location: 2p23.3.
Variant type: single nucleotide variant.
Coding change: c.2438T>C on transcript NM_022552.5 (MANE Select); coding-DNA position 2438, T replaced by C.
Protein change: p.Leu813Pro; replaces leucine 813 with proline.
Molecular consequence: missense variant. On other transcripts: non-coding transcript variant (1).
Genome position (GRCh38, 1-based): chr2:25,236,976, A>G on the plus strand (T>C on the coding strand, the complement: DNMT3A is on the minus strand). VCF-style: chr2-25236976-A-G. GRCh37 (hg19) VCF-style: chr2-25459845-A-G.
Other names: c.1982T>C, p.Leu661Pro (NM_001320893.1); c.1769T>C, p.Leu590Pro (NM_001375819.1); c.1871T>C, p.Leu624Pro (NM_153759.3); c.2438T>C, p.Leu813Pro (NM_175629.2); short protein forms L590P, L813P, L624P, L661P.
Identifiers: ClinVar variation 2847103 (VCV002847103.3), dbSNP rs2465341949, ClinGen allele CA346068969.